The following is an entry in ClinVar:

ClinVar aggregate classification (germline): Conflicting classifications of pathogenicity. Review status: criteria provided, conflicting classifications (1 of 4 stars). 3 submissions from 3 submitters: Uncertain significance (1); Benign (1); Likely benign (1). Last evaluated 2026-01-03.

Conditions:
Inborn genetic diseases. Identifiers: MedGen C0950123, MeSH D030342.

Allele frequency attached by ClinVar (database versions not stated): gnomAD 0.00006; ESP Exome Variant Server 0.00008; TOPMed 0.00010; gnomAD exomes 0.00025; ExAC 0.00050.
gnomAD v4.1: 40 of 1,599,048 alleles (0.0025%); highest among the groups gnomAD compares: Admixed American, 0.058%; no homozygotes.

Submissions (3):

Labcorp Genetics (formerly Invitae), Labcorp
Classification: Benign. Last evaluated: 2026-01-03. Review status: criteria provided, single submitter. Criteria: Invitae Variant Classification Sherloc (09022015). Collection method: clinical testing. Allele origin: germline.

Mayo Clinic Laboratories, Mayo Clinic
Classification: Likely benign. Last evaluated: 2024-12-31. Review status: criteria provided, single submitter. Criteria: ACMG Guidelines, 2015. Collection method: clinical testing. Allele origin: germline. Observed: 1 variant allele.
Comment: BS1, BP4_moderate

Ambry Genetics
Classification: Uncertain significance for Inborn genetic diseases. Last evaluated: 2013-02-04. Review status: criteria provided, single submitter. Criteria: Ambry Autosomal Dominant and X-Linked criteria (10/2015). Collection method: clinical testing. Allele origin: germline. Observed: 1 variant allele.
Comment: N/AN/ABased on data from the NHLBI Exome Sequencing Project (ESP), the T-allele has an overall frequency of approximately 0.01% (1/10758) total alleles studied. The T-allele was observed in 0.01% (1/7020) European American alleles and in 0% (0/3738) African American alleles studied and was observed in the homozygous state 0 out of 5379 individuals studied. This variant was not reported in other available population-based cohorts (Database of Single Nucleotide Polymorphisms (dbSNP) and 1000 Genomes Project.). This amino acid position is well conserved in available vertebrate species.This alteration is predicted by PolyPhen to be benign with a score of 0.003 (sensitivity: 0.98; specificity: 0.44)This alteration is predicted by SIFT to be deleterious with a score of 0.030 (conservation: 1.49).

NM_021076.4(NEFH):c.1859C>T (p.Ser620Phe)

Gene: NEFH (neurofilament heavy chain; plus strand). Cytogenetic location: 22q12.2.
Variant type: single nucleotide variant.
Coding change: c.1859C>T on transcript NM_021076.4 (MANE Select); coding-DNA position 1859, C replaced by T.
Protein change: p.Ser620Phe; replaces serine 620 with phenylalanine.
Molecular consequence: missense variant.
Genome position (GRCh38, 1-based): chr22:29,489,499, C>T. VCF-style: chr22-29489499-C-T. GRCh37 (hg19) VCF-style: chr22-29885488-C-T.
Other names: p.Ser620Phe; short protein forms S620F.
Identifiers: ClinVar variation 225057 (VCV000225057.12), dbSNP rs139580489, ClinGen allele CA357995.
Genomic context (GRCh38, chr22:29,489,499, plus strand): 5'-CTCCAGAGAAGGCCAAGTCCCCAGTGAAGGAAGAAGCAAAGTCACCGGCTGAGGCCAAGT[C>T]CCCAGTGAAGGAAGAAGCAAAATCTCCAGCTGAGGTCAAGTCCCCGGAAAAGGCCAAGTC-3'
Protein context (NP_066554.2, residues 610-630): EEAKSPAEAK[Ser620Phe]PVKEEAKSPA